The following is an entry in ClinVar:

NM_000548.5(TSC2):c.902T>A (p.Met301Lys)

Gene: TSC2 (TSC complex subunit 2; plus strand). Cytogenetic location: 16p13.3.
Variant type: single nucleotide variant.
Coding change: c.902T>A on transcript NM_000548.5 (MANE Select); coding-DNA position 902, T replaced by A.
Protein change: p.Met301Lys; replaces methionine 301 with lysine.
Molecular consequence: missense variant. On other transcripts: 5 prime UTR variant (10), non-coding transcript variant (5).
Genome position (GRCh38, 1-based): chr16:2,058,800, T>A. VCF-style: chr16-2058800-T-A. GRCh37 (hg19) VCF-style: chr16-2108801-T-A.
Other names: c.902T>A, p.Met301Lys (NM_001077183.3, NM_001114382.3, NM_001363528.2 and 6 more transcripts); c.791T>A, p.Met264Lys (NM_001318827.2, NM_001406670.1, NM_001406678.1); c.755T>A, p.Met252Lys (NM_001318829.2, NM_001406675.1, NM_001406676.1 and 1 more transcripts); c.302T>A, p.Met101Lys (NM_001318831.2, NM_001406680.1, NM_001406682.1 and 6 more transcripts); c.935T>A, p.Met312Lys (NM_001318832.2); c.992T>A, p.Met331Lys (NM_001406667.1, NM_001406668.1); c.890T>A, p.Met297Lys (NM_001406671.1, NM_001406673.1); c.845T>A, p.Met282Lys (NM_001406677.1); and 4 more; short protein forms M101K, M147K, M252K, M264K, M282K, M297K, M301K, M312K.
Identifiers: ClinVar variation 3070881 (VCV003070881.1), dbSNP rs1060500949, ClinGen allele CA394315259.

ClinVar aggregate classification (germline): Uncertain significance (1 of 4 stars; one submission).

Conditions:
Tuberous sclerosis syndrome (TSC). Also called: Tuberous Sclerosis Complex; Tuberous sclerosis. Identifiers: Orphanet 805, MedGen C0041341, MONDO:0001734.

Submission:

All of Us Research Program, National Institutes of Health
Classification: Uncertain significance for Tuberous sclerosis syndrome. Last evaluated: 2023-05-04. Review status: criteria provided, single submitter. Criteria: ACMG Guidelines, 2015. Collection method: clinical testing. Allele origin: germline. Inheritance: Autosomal dominant inheritance. Observed: 1 variant allele, 1 heterozygote.
Comment: This missense variant replaces methionine with lysine at codon 301 of the TSC2 protein. Computational prediction suggests that this variant may have deleterious impact on protein structure and function (internally defined REVEL score threshold >= 0.7, PMID: 27666373). To our knowledge, functional studies have not been reported for this variant. This variant has not been reported in individuals affected with TSC2-related disorders in the literature. This variant has not been identified in the general population by the Genome Aggregation Database (gnomAD). The available evidence is insufficient to determine the role of this variant in disease conclusively. Therefore, this variant is classified as a Variant of Uncertain Significance.

This study involves interpretation of variants in research participants for the purpose of population health screening. Participant phenotype was not available at the time of variant classification. Additional details can be found in publication PMID: 35346344, PMCID: PMC8962531